The following is an entry in ClinVar:

ClinVar aggregate classification (germline): Uncertain significance. Review status: criteria provided, multiple submitters, no conflicts (2 of 4 stars). 2 submissions from 2 submitters: Uncertain significance (2). Last evaluated 2025-10-12.

Allele frequency attached by ClinVar (database versions not stated): gnomAD exomes 0.00017 and 0.00029; ExAC 0.00022; TOPMed 0.00022; gnomAD 0.00032 and 0.00036.
gnomAD v4.1: 437 of 1,521,218 alleles (0.029%); highest among the groups gnomAD compares: Non-Finnish European, 0.036%; 1 homozygote.

Submissions (2):

Labcorp Genetics (formerly Invitae), Labcorp
Classification: Uncertain significance. Last evaluated: 2025-10-12. Review status: criteria provided, single submitter. Criteria: Invitae Variant Classification Sherloc (09022015). Collection method: clinical testing. Allele origin: germline.
Comment: This sequence change replaces leucine, which is neutral and non-polar, with phenylalanine, which is neutral and non-polar, at codon 20 of the TMEM132E protein (p.Leu20Phe). This variant is present in population databases (rs774898682, gnomAD 0.05%). This variant has not been reported in the literature in individuals affected with TMEM132E-related conditions. ClinVar contains an entry for this variant (Variation ID: 1414121). An algorithm developed to predict the effect of missense changes on protein structure and function outputs the following: PolyPhen-2: "Not Available". The phenylalanine amino acid residue is found in multiple mammalian species, which suggests that this missense change does not adversely affect protein function. In summary, the available evidence is currently insufficient to determine the role of this variant in disease. Therefore, it has been classified as a Variant of Uncertain Significance.

Ambry Genetics
Classification: Uncertain significance. Last evaluated: 2023-07-29. Review status: criteria provided, single submitter. Criteria: Ambry Variant Classification Scheme 2023. Collection method: clinical testing. Allele origin: germline.

NM_001304438.2(TMEM132E):c.58C>T (p.Leu20Phe)

Gene: TMEM132E (transmembrane protein 132E; plus strand). Cytogenetic location: 17q12.
Variant type: single nucleotide variant.
Coding change: c.58C>T on transcript NM_001304438.2 (MANE Select); coding-DNA position 58, C replaced by T.
Protein change: p.Leu20Phe; replaces leucine 20 with phenylalanine.
Molecular consequence: missense variant.
Genome position (GRCh38, 1-based): chr17:34,581,134, C>T. VCF-style: chr17-34581134-C-T. GRCh37 (hg19) VCF-style: chr17-32908153-C-T.
Other names: NM_207313.1:c.58C>T; short protein forms L20F.
Identifiers: ClinVar variation 1414121 (VCV001414121.6), dbSNP rs774898682, ClinGen allele CA8496346.